The following is an entry in ClinVar:

NM_206933.4(USH2A):c.9638C>T (p.Pro3213Leu)

Gene: USH2A (usherin; minus strand). Cytogenetic location: 1q41.
Variant type: single nucleotide variant.
Coding change: c.9638C>T on transcript NM_206933.4 (MANE Select); coding-DNA position 9638, C replaced by T.
Protein change: p.Pro3213Leu; replaces proline 3213 with leucine.
Molecular consequence: missense variant.
Genome position (GRCh38, 1-based): chr1:215,813,837, G>A on the plus strand (C>T on the coding strand, the complement: USH2A is on the minus strand). VCF-style: chr1-215813837-G-A. GRCh37 (hg19) VCF-style: chr1-215987179-G-A.
Other names: short protein forms P3213L.
Identifiers: ClinVar variation 1421539 (VCV001421539.7), dbSNP rs758383069, ClinGen allele CA1394250.

ClinVar aggregate classification (germline): Uncertain significance. Review status: criteria provided, multiple submitters, no conflicts (2 of 4 stars). 3 submissions from 3 submitters: Uncertain significance (2). 1 of the submissions does not count toward it. Last evaluated 2024-10-30.

Conditions:
Retinal dystrophy. Also called: Inherited retinal dystrophy. Identifiers: Orphanet 71862, MedGen C0854723, MeSH D058499, MONDO:0019118, HP:0000556.

Allele frequency attached by ClinVar (database versions not stated): gnomAD 0.00001; ExAC 0.00002; gnomAD exomes 0.00002; TOPMed 0.00002.
gnomAD v4.1: 27 of 1,613,726 alleles (0.0017%); highest among the groups gnomAD compares: Admixed American, 0.0033%; no homozygotes.

Submissions (3):

Blueprint Genetics
Classification: Uncertain significance. Last evaluated: 2024-10-30. Review status: criteria provided, single submitter. Criteria: ACMG Guidelines, 2015. Collection method: clinical testing. Allele origin: germline.

Labcorp Genetics (formerly Invitae), Labcorp
Classification: Uncertain significance. Last evaluated: 2021-08-13. Review status: criteria provided, single submitter. Criteria: Invitae Variant Classification Sherloc (09022015). Collection method: clinical testing. Allele origin: germline.
Comment: This sequence change replaces proline with leucine at codon 3213 of the USH2A protein (p.Pro3213Leu). The proline residue is moderately conserved and there is a moderate physicochemical difference between proline and leucine. The frequency data for this variant in the population databases is considered unreliable, as metrics indicate poor data quality at this position in the ExAC database. This variant has not been reported in the literature in individuals affected with USH2A-related conditions. Algorithms developed to predict the effect of missense changes on protein structure and function are either unavailable or do not agree on the potential impact of this missense change (SIFT: "Deleterious"; PolyPhen-2: "Benign"; Align-GVGD: "Class C35"). In summary, the available evidence is currently insufficient to determine the role of this variant in disease. Therefore, it has been classified as a Variant of Uncertain Significance.

Institute of Human Genetics, Univ. Regensburg, Univ. Regensburg
Classification: Uncertain significance for Retinal dystrophy. Last evaluated: 2022-01-01. Review status: no assertion criteria provided. Criteria: ACMG Guidelines, 2015. Collection method: clinical testing. Allele origin: germline. Affected: yes. Not counted in ClinVar's aggregate classification.